The following is an entry in ClinVar:

NM_153646.4(SLC24A4):c.468G>A (p.Ala156=)

Gene: SLC24A4 (solute carrier family 24 member 4; plus strand). Cytogenetic location: 14q32.12.
Variant type: single nucleotide variant.
Coding change: c.468G>A on transcript NM_153646.4 (MANE Select); coding-DNA position 468, G replaced by A.
Protein change: p.Ala156=; no amino-acid change (alanine 156 retained).
Molecular consequence: synonymous variant.
Genome position (GRCh38, 1-based): chr14:92,442,163, G>A. VCF-style: chr14-92442163-G-A. GRCh37 (hg19) VCF-style: chr14-92908507-G-A.
Other names: c.468G>A, p.Ala156= (NM_001378620.1, NM_001425254.1, NM_153647.4); c.276G>A, p.Ala92= (NM_153648.4).
Identifiers: ClinVar variation 3051579 (VCV003051579.2), dbSNP rs377062821, ClinGen allele CA7315727.
Genomic context (GRCh38, chr14:92,442,163, plus strand): 5'-CGAAGATGTGGCTGGAGCCACCTTCATGGCTGCAGGAAGCTCAACGCCAGAGCTGTTTGC[G>A]TCTGTTATTGGTAAGAAATCCCCTCCAGCCTGAGACACAGGATCTAGAGAGTCCATTTGG-3'
Protein context (NP_705932.2, residues 146-166): AAGSSTPELF[Ala156=]SVIGVFITHG

ClinVar aggregate classification (germline): Likely benign (0 of 4 stars; one submission).

Conditions:
SLC24A4-related disorder. Also called: SLC24A4-related condition.

Allele frequency attached by ClinVar (database versions not stated): ESP Exome Variant Server 0.00008; 1000 Genomes Project 30x 0.00016; 1000 Genomes Project 0.00020.
gnomAD v4.1: 107 of 1,613,464 alleles (0.0066%); highest among the groups gnomAD compares: African/African-American, 0.016%; no homozygotes.

Submission:

PreventionGenetics, part of Exact Sciences
Classification: Likely benign for SLC24A4-related condition. Last evaluated: 2020-02-07. Review status: no assertion criteria provided. Collection method: clinical testing. Allele origin: germline.
Comment: This variant is classified as likely benign based on ACMG/AMP sequence variant interpretation guidelines (Richards et al. 2015 PMID: 25741868, with internal and published modifications).